The following is an entry in ClinVar:

NM_000444.6(PHEX):c.1404+28dup

Gene: PHEX (phosphate regulating endopeptidase X-linked; plus strand). Cytogenetic location: Xp22.11.
Variant type: Duplication.
Coding change: c.1404+28dup on transcript NM_000444.6 (MANE Select); 28 bases into the intron after coding-DNA position 1404, one base duplicated (A; older notation c.1404+28dupA).
Molecular consequence: intron variant.
Genome position (GRCh38, 1-based): chrX:22,133,652, A duplicated; the last of 9 consecutive A bases (chrX:22,133,644-22,133,652); duplicating any one gives the same sequence. VCF-style (leftmost placement, unchanged base first): chrX-22133643-G-GA. GRCh37 (hg19) VCF-style: chrX-22151760-G-GA.
Other names: c.1404+28dup (NM_001282754.2); c.1404+28dupA (NM_000444.6).
Identifiers: ClinVar variation 1542224 (VCV001542224.10), dbSNP rs747974210, ClinGen allele CA10368234.
Genomic context (GRCh38, chrX:22,133,643, plus strand): 5'-GAGTGGATGGATGCAGGAACGAAAAGGAAAGCCAAAGAAAAGGTAAGGATTCCTTTTGAT[G>GA]AAAAAAAAATAAGACTTCTGGTTTAATGGATGTTCATGCTTGACATTGACTGTGTAGTTG-3'

ClinVar aggregate classification (germline): Benign/Likely benign. Review status: criteria provided, multiple submitters, no conflicts (2 of 4 stars). 3 submissions from 3 submitters: Benign (2); Likely benign (1). Last evaluated 2025-11-25.

Submissions (3):

Women's Health and Genetics/Laboratory Corporation of America, LabCorp
Classification: Benign. Last evaluated: 2025-11-25. Review status: criteria provided, single submitter. Criteria: LabCorp Variant Classification Summary - May 2015. Collection method: clinical testing. Allele origin: germline.
Comment: Variant summary: PHEX c.1404+28dupA is located at a position not widely known to affect splicing. Consensus agreement among computation tools predict no significant impact on normal splicing. However, these predictions have yet to be confirmed by functional studies. The variant allele was found at a frequency of 0.00061 in 1072970 control chromosomes. The observed variant frequency exceeds the estimated maximal expected allele frequency for disease-causing variants in PHEX. To our knowledge, no occurrence of c.1404+28dupA in individuals affected with PHEX-related conditions and no experimental evidence demonstrating its impact on protein function have been reported. ClinVar contains an entry for this variant (Variation ID: 1542224). Based on the evidence outlined above, the variant was classified as benign.

Blueprint Genetics
Classification: Likely benign. Last evaluated: 2024-11-21. Review status: criteria provided, single submitter. Criteria: ACMG Guidelines, 2015. Collection method: clinical testing. Allele origin: germline.

Labcorp Genetics (formerly Invitae), Labcorp
Classification: Benign. Last evaluated: 2021-08-25. Review status: criteria provided, single submitter. Criteria: Invitae Variant Classification Sherloc (09022015). Collection method: clinical testing. Allele origin: germline.